The following is an entry in ClinVar:

NM_001329943.3(KIAA0586):c.-4C>G

Gene: KIAA0586 (KIAA0586; plus strand). Cytogenetic location: 14q23.1.
Variant type: single nucleotide variant.
Coding change: c.-4C>G on transcript NM_001329943.3 (MANE Select); 4 bases upstream of the start codon, C replaced by G.
Molecular consequence: 5 prime UTR variant. On other transcripts: missense variant (1), intron variant (6).
Genome position (GRCh38, 1-based): chr14:58,428,261, C>G. VCF-style: chr14-58428261-C-G. GRCh37 (hg19) VCF-style: chr14-58894979-C-G.
Other names: c.33C>G, p.Asn11Lys (NM_001244189.2); c.-4C>G (NM_001329944.2, NM_001329946.2, NM_001329947.2 and 1 more transcripts); c.-38-11C>G (NM_001244190.2); c.-57+624C>G (NM_001244192.2, NM_001244191.2); c.-57+448C>G (NM_001364701.2, NM_001329945.2, NM_001364700.1); c.33C>G (NM_001244189.1); short protein forms N11K.
Identifiers: ClinVar variation 1959709 (VCV001959709.5), dbSNP rs375579488, ClinGen allele CA7205240.

ClinVar aggregate classification (germline): Uncertain significance. Review status: criteria provided, multiple submitters, no conflicts (2 of 4 stars). 3 submissions from 3 submitters: Uncertain significance (2). 1 of the submissions does not count toward it. Last evaluated 2023-03-08.

Conditions:
KIAA0586-related disorder. Also called: KIAA0586-related condition; KIAA0586- Related disorders.
Short-rib thoracic dysplasia 14 with polydactyly (SRTD14). Identifiers: Orphanet 397715, MedGen C4225286, MONDO:0014688, OMIM 616546.
Joubert syndrome 23 (JBTS23). Identifiers: Orphanet 475, MedGen C4084822, MONDO:0014664, OMIM 616490.

Allele frequency attached by ClinVar (database versions not stated): gnomAD exomes 0.00001; ExAC 0.00002; ESP Exome Variant Server 0.00008; gnomAD 0.00013; TOPMed 0.00014.
gnomAD v4.1: 33 of 1,612,228 alleles (0.002%); highest among the groups gnomAD compares: African/African-American, 0.043%; no homozygotes.

Submissions (3):

Blueprint Genetics
Classification: Uncertain significance. Last evaluated: 2023-03-08. Review status: criteria provided, single submitter. Criteria: ACMG Guidelines, 2015. Collection method: clinical testing. Allele origin: germline.

Labcorp Genetics (formerly Invitae), Labcorp
Classification: Uncertain significance for Joubert syndrome 23; Short-rib thoracic dysplasia 14 with polydactyly. Last evaluated: 2022-11-01. Review status: criteria provided, single submitter. Criteria: Invitae Variant Classification Sherloc (09022015). Collection method: clinical testing. Allele origin: germline.
Comment: This sequence change replaces asparagine, which is neutral and polar, with lysine, which is basic and polar, at codon 11 of the KIAA0586 protein (p.Asn11Lys). In summary, the available evidence is currently insufficient to determine the role of this variant in disease. Therefore, it has been classified as a Variant of Uncertain Significance. Algorithms developed to predict the effect of sequence changes on RNA splicing suggest that this variant may create or strengthen a splice site. Algorithms developed to predict the effect of missense changes on protein structure and function (SIFT, PolyPhen-2, Align-GVGD) all suggest that this variant is likely to be tolerated. This variant has not been reported in the literature in individuals affected with KIAA0586-related conditions. This variant is present in population databases (rs375579488, gnomAD 0.03%).

PreventionGenetics, part of Exact Sciences
Classification: Uncertain significance for KIAA0586-related condition. Last evaluated: 2024-05-13. Review status: no assertion criteria provided. Collection method: clinical testing. Allele origin: germline. Not counted in ClinVar's aggregate classification.
Comment: The KIAA0586 c.33C>G variant is predicted to result in the amino acid substitution p.Asn11Lys. To our knowledge, this variant has not been reported in the literature. This variant is reported in 0.029% of alleles in individuals of African descent in gnomAD. At this time, the clinical significance of this variant is uncertain due to the absence of conclusive functional and genetic evidence.